The following is an entry in ClinVar:

NM_007294.4(BRCA1):c.5420T>C (p.Ile1807Thr)

Gene: BRCA1 (BRCA1 DNA repair associated; minus strand). Cytogenetic location: 17q21.31.
Variant type: single nucleotide variant.
Coding change: c.5420T>C on transcript NM_007294.4 (MANE Select); coding-DNA position 5420, T replaced by C.
Protein change: p.Ile1807Thr; replaces isoleucine 1807 with threonine.
Molecular consequence: missense variant. On other transcripts: synonymous variant (17).
Genome position (GRCh38, 1-based): chr17:43,047,690, A>G on the plus strand (T>C on the coding strand, the complement: BRCA1 is on the minus strand). VCF-style: chr17-43047690-A-G. GRCh37 (hg19) VCF-style: chr17-41199707-A-G.
Other names: c.5207T>C, p.Ile1736Thr (NM_001407571.1, NM_001407894.1, NM_001407895.1 and 12 more transcripts); c.5486T>C, p.Ile1829Thr (NM_001407581.1, NM_001407582.1); c.5483T>C, p.Ile1828Thr (NM_001407583.1, NM_001407585.1, NM_001407587.1 and 1 more transcripts); c.5480T>C, p.Ile1827Thr (NM_001407590.1, NM_001407591.1); c.5420T>C, p.Ile1807Thr (NM_001407593.1, NM_001407594.1, NM_001407596.1 and 5 more transcripts); c.5417T>C, p.Ile1806Thr (NM_001407610.1, NM_001407611.1, NM_001407612.1 and 14 more transcripts); c.5414T>C, p.Ile1805Thr (NM_001407627.1, NM_001407628.1, NM_001407629.1 and 13 more transcripts); c.5411T>C, p.Ile1804Thr (NM_001407644.1, NM_001407645.1); and 83 more; short protein forms I1807T, I1760T, I1828T, I703T, I1511T, I1723T, I1758T, I1764T.
Identifiers: ClinVar variation 868478 (VCV000868478.8), dbSNP rs2050991229, ClinGen allele CA10590611.

ClinVar aggregate classification (germline): Conflicting classifications of pathogenicity. Review status: criteria provided, conflicting classifications (1 of 4 stars). 2 submissions from 2 submitters: Likely pathogenic (1); Uncertain significance (1). Last evaluated 2023-12-29.

Conditions:
Ovarian cancer. Also called: OVARIAN CANCER, SOMATIC. Identifiers: Orphanet 213500, MedGen C1140680, MONDO:0008170, OMIM 167000.
Hereditary breast ovarian cancer syndrome. Also called: Hereditary breast and ovarian cancer; Hereditary breast and ovarian cancer syndrome (HBOC); Breast and ovarian cancer; Hereditary breast and/or ovarian cancer syndrome; BRCA1- and BRCA2-Associated Hereditary Breast and Ovarian Cancer; Hereditary breast and ovarian cancer syndrome. Identifiers: Orphanet 145, MedGen C0677776, MeSH D061325, MONDO:0003582. Disease mechanism: loss of function.

Allele frequency attached by ClinVar (database versions not stated): gnomAD exomes below 0.00001.
gnomAD v4.1: 1 of 1,614,166 alleles (0.000062%); highest among the groups gnomAD compares: Non-Finnish European, 0.000085%; no homozygotes.

Submissions (3):

Labcorp Genetics (formerly Invitae), Labcorp
Classification: Uncertain significance for Hereditary breast ovarian cancer syndrome. Last evaluated: 2023-12-29. Review status: criteria provided, single submitter. Criteria: Invitae Variant Classification Sherloc (09022015). Collection method: clinical testing. Allele origin: germline.
Comment: This sequence change replaces isoleucine, which is neutral and non-polar, with threonine, which is neutral and polar, at codon 1807 of the BRCA1 protein (p.Ile1807Thr). This variant is not present in population databases (gnomAD no frequency). This variant has not been reported in the literature in individuals affected with BRCA1-related conditions. ClinVar contains an entry for this variant (Variation ID: 868478). Advanced modeling performed at Invitae incorporating data from internal and/or published experimental studies (PMID: 30209399) indicates that this missense variant is not expected to disrupt BRCA1 function with a negative predictive value of 95%. In summary, the available evidence is currently insufficient to determine the role of this variant in disease. Therefore, it has been classified as a Variant of Uncertain Significance.

Laboratory of Molecular Epidemiology of Birth Defects, West China Second University Hospital, Sichuan University
Classification: Likely pathogenic for Ovarian cancer. Last evaluated: 2022-01-01. Review status: criteria provided, single submitter. Criteria: ACMG Guidelines, 2015. Collection method: clinical testing. Allele origin: germline. Affected: yes.

Brotman Baty Institute, University of Washington
No classification provided (evidence only). Condition: Breast-ovarian cancer, familial 1. Review status: no classification provided. Collection method: in vitro. Allele origin: not applicable. Functional consequence: functionally_normal. Not counted in ClinVar's aggregate classification.
ClinVar note: "not provided" was previously submitted as the classification for the variant. However, the classification appeared to be based only on an observation of functional data so it was converted to no classification on 2025-07-30.

Literature cited by the submitters: PubMed 30209399 (cited by Labcorp Genetics (formerly Invitae), Labcorp).